The following is an entry in ClinVar:

ClinVar aggregate classification (germline): Uncertain significance (1 of 4 stars; one submission).

Conditions:
Migraine, familial hemiplegic, 2. Identifiers: Orphanet 569, MedGen C1865322, MONDO:0011232, OMIM 602481.

Submission:

MGZ Medical Genetics Center
Classification: Uncertain significance for Migraine, familial hemiplegic, 2. Last evaluated: 2022-07-01. Review status: criteria provided, single submitter. Criteria: ACMG Guidelines, 2015. Collection method: clinical testing. Allele origin: germline. Affected: yes. Observed: 1 variant allele.
Comment: ACMG criteria applied: PM2_SUP, PP2, PP3

NM_000702.4(ATP1A2):c.2222A>C (p.Gln741Pro)

Gene: ATP1A2 (ATPase Na+/K+ transporting subunit alpha 2; plus strand). Cytogenetic location: 1q23.2.
Variant type: single nucleotide variant.
Coding change: c.2222A>C on transcript NM_000702.4 (MANE Select); coding-DNA position 2222, A replaced by C.
Protein change: p.Gln741Pro; replaces glutamine 741 with proline.
Molecular consequence: missense variant.
Genome position (GRCh38, 1-based): chr1:160,135,540, A>C. VCF-style: chr1-160135540-A-C. GRCh37 (hg19) VCF-style: chr1-160105330-A-C.
Other names: short protein forms Q741P.
Identifiers: ClinVar variation 1709621 (VCV001709621.2), dbSNP rs2524887326, ClinGen allele CA343249310.